The following is an entry in ClinVar:

NM_000165.5(GJA1):c.-67C>G

Gene: GJA1 (gap junction protein alpha 1; plus strand). Cytogenetic location: 6q22.31.
Variant type: single nucleotide variant.
Coding change: c.-67C>G on transcript NM_000165.5 (MANE Select); 67 bases upstream of the start codon, C replaced by G.
Molecular consequence: 5 prime UTR variant.
Genome position (GRCh38, 1-based): chr6:121,435,782, C>G. VCF-style: chr6-121435782-C-G. GRCh37 (hg19) VCF-style: chr6-121756928-C-G.
Identifiers: ClinVar variation 355157 (VCV000355157.6), dbSNP rs111581053, ClinGen allele CA10621312.
Genomic context (GRCh38, chr6:121,435,782, plus strand): 5'-TTTTAAACTTTAAATAGACAGGTCTGAGTGCCTGAACTTGCCTTTTCATTTTACTTCATC[C>G]TCCAAGGAGTTCAATCACTTGGCGTGACTTCACTACTTTTAAGCAAAAGAGTAAGTTTTT-3'

ClinVar aggregate classification (germline): Conflicting classifications of pathogenicity. Review status: criteria provided, conflicting classifications (1 of 4 stars). 4 submissions from 2 submitters: Uncertain significance (1); Benign (2); Likely benign (1). Last evaluated 2022-02-05.

Conditions:
Oculodentodigital dysplasia (ODDD). Also called: ODD SYNDROME; Oculodentodigital syndrome. Identifiers: Orphanet 2710, MedGen C0812437, MONDO:0008111, OMIM 164200.
Hypoplastic left heart syndrome 1 (HLHS1). Identifiers: Orphanet 2248, MedGen C4551854, MONDO:0009433, OMIM 241550.
Syndactyly type 3 (SDTY3). Also called: RING AND LITTLE FINGER SYNDACTYLY; SYNDACTYLY OF FINGERS IV AND V. Identifiers: Orphanet 93404, MedGen C1861366, MONDO:0008514, OMIM 186100.

Allele frequency attached by ClinVar (database versions not stated): 1000 Genomes Project 0.00260; gnomAD 0.00287 and 0.00310; TOPMed 0.00341; 1000 Genomes Project 30x 0.00359.

Submissions (4):

GeneDx
Classification: Likely benign. Last evaluated: 2022-02-05. Review status: criteria provided, single submitter. Criteria: GeneDx Variant Classification Process June 2021. Collection method: clinical testing. Allele origin: germline. Affected: yes.
Comment: See Variant Classification Assertion Criteria.

Illumina Laboratory Services, Illumina
Classification: Uncertain significance for Hypoplastic left heart syndrome 1. Last evaluated: 2018-01-13. Review status: criteria provided, single submitter. Criteria: ICSL Variant Classification Criteria 13 December 2019. Collection method: clinical testing. Allele origin: germline.

Illumina Laboratory Services, Illumina
Classification: Benign for Syndactyly type 3. Last evaluated: 2018-01-13. Review status: criteria provided, single submitter. Criteria: ICSL Variant Classification Criteria 13 December 2019. Collection method: clinical testing. Allele origin: germline.
Comment: This variant was observed in the ICSL laboratory as part of a predisposition screen in an ostensibly healthy population. It had not been previously curated by ICSL or reported in the Human Gene Mutation Database (HGMD: prior to June 1st, 2018), and was therefore a candidate for classification through an automated scoring system. Utilizing variant allele frequency, disease prevalence and penetrance estimates, and inheritance mode, an automated score was calculated to assess if this variant is too frequent to cause the disease. Based on the score and internal cut-off values, a variant classified as benign is not then subjected to further curation. The score for this variant resulted in a classification of benign for this disease.

Illumina Laboratory Services, Illumina
Classification: Benign for Oculodentodigital dysplasia. Last evaluated: 2018-01-13. Review status: criteria provided, single submitter. Criteria: ICSL Variant Classification Criteria 13 December 2019. Collection method: clinical testing. Allele origin: germline.
Comment: the same text as in the submission from Illumina Laboratory Services, Illumina above.